The following is an entry in ClinVar:

NM_001369369.1(FOXN1):c.1314_1315dup (p.Leu439fs)

Gene: FOXN1 (forkhead box N1; plus strand). Cytogenetic location: 17q11.2.
Variant type: Duplication.
Coding change: c.1314_1315dup on transcript NM_001369369.1 (MANE Select); coding-DNA positions 1314 to 1315, 2 bases duplicated (CC; older notation c.1314_1315dupCC).
Protein change: p.Leu439fs; shifts the reading frame from leucine 439.
Molecular consequence: frameshift variant.
Genome position (GRCh38, 1-based): chr17:28,534,885-28,534,886, CC duplicated; duplicating any 2 consecutive bases within chr17:28,534,882-28,534,886 gives the same sequence; the c. name uses the placement nearest the transcript's 3' end. VCF-style (leftmost placement, unchanged base first): chr17-28534881-A-ACC. GRCh37 (hg19) VCF-style: chr17-26861899-A-ACC.
Other names: c.1314_1315dup, p.Leu439fs (NM_003593.3); short protein forms L439fs.
Identifiers: ClinVar variation 2856279 (VCV002856279.3), dbSNP rs1064796227, ClinGen allele CA2739267269.

ClinVar aggregate classification (germline): Pathogenic (1 of 4 stars; one submission).

Conditions:
T-cell immunodeficiency, congenital alopecia, and nail dystrophy. Also called: Congenital alopecia and nail dystrophy associated with severe functional T-cell immunodeficiency; Pignata Guarino syndrome. Identifiers: Orphanet 169095, MedGen C1866426, MONDO:0011132, OMIM 601705.

Submission:

Labcorp Genetics (formerly Invitae), Labcorp
Classification: Pathogenic for T-cell immunodeficiency, congenital alopecia, and nail dystrophy. Last evaluated: 2023-04-14. Review status: criteria provided, single submitter. Criteria: Invitae Variant Classification Sherloc (09022015). Collection method: clinical testing. Allele origin: germline.
Comment: For these reasons, this variant has been classified as Pathogenic. This variant disrupts a region of the FOXN1 protein in which other variant(s) (p.Gln489Argfs*61) have been determined to be pathogenic (PMID: 31566583; Invitae). This suggests that this is a clinically significant region of the protein, and that variants that disrupt it are likely to be disease-causing. This variant has not been reported in the literature in individuals affected with FOXN1-related conditions. This variant is not present in population databases (gnomAD no frequency). This sequence change creates a premature translational stop signal (p.Leu439Profs*112) in the FOXN1 gene. While this is not anticipated to result in nonsense mediated decay, it is expected to disrupt the last 210 amino acid(s) of the FOXN1 protein.

Literature cited by the submitters: PubMed 31566583.